The following is an entry in ClinVar:

ClinVar aggregate classification (germline): Conflicting classifications of pathogenicity. Review status: criteria provided, conflicting classifications (1 of 4 stars). 4 submissions from 4 submitters: Uncertain significance (2); Likely benign (2). Last evaluated 2026-01-14.

Conditions:
Glycogen storage disease type III (GSD3). Also called: FORBES DISEASE; Cori disease. Identifiers: Orphanet 366, MedGen C0017922, MONDO:0009291, OMIM 232400.

Allele frequency attached by ClinVar (database versions not stated): TOPMed 0.00012; 1000 Genomes Project 30x 0.00016; 1000 Genomes Project 0.00020; gnomAD 0.00025.
gnomAD v4.1: 96 of 1,614,090 alleles (0.0059%); highest among the groups gnomAD compares: East Asian, 0.18%; no homozygotes.

Submissions (4):

Labcorp Genetics (formerly Invitae), Labcorp
Classification: Likely benign for Glycogen storage disease type III. Last evaluated: 2026-01-14. Review status: criteria provided, single submitter. Criteria: Invitae Variant Classification Sherloc (09022015). Collection method: clinical testing. Allele origin: germline.

Mayo Clinic Laboratories, Mayo Clinic
Classification: Uncertain significance. Last evaluated: 2022-11-08. Review status: criteria provided, single submitter. Criteria: ACMG Guidelines, 2015. Collection method: clinical testing. Allele origin: germline. Observed: 1 variant allele.

Genome-Nilou Lab
Classification: Likely benign for Glycogen storage disease type III. Last evaluated: 2021-07-15. Review status: criteria provided, single submitter. Criteria: ACMG Guidelines, 2015. Collection method: clinical testing. Allele origin: germline. Affected: no.

GeneDx
Classification: Uncertain significance. Last evaluated: 2018-12-20. Review status: criteria provided, single submitter. Criteria: GeneDx Variant Classification Process June 2021. Collection method: clinical testing. Allele origin: germline. Affected: yes.
Comment: In silico analysis, which includes protein predictors and evolutionary conservation, supports a deleterious effect; Has not been previously published as pathogenic or benign to our knowledge

NM_000642.3(AGL):c.2219A>G (p.His740Arg)

Gene: AGL (amylo-alpha-1,6-glucosidase and 4-alpha-glucanotransferase; plus strand). Cytogenetic location: 1p21.2.
Variant type: single nucleotide variant.
Coding change: c.2219A>G on transcript NM_000642.3 (MANE Select); coding-DNA position 2219, A replaced by G.
Protein change: p.His740Arg; replaces histidine 740 with arginine.
Molecular consequence: missense variant.
Genome position (GRCh38, 1-based): chr1:99,881,602, A>G. VCF-style: chr1-99881602-A-G. GRCh37 (hg19) VCF-style: chr1-100347158-A-G.
Other names: p.His740Arg; c.2219A>G, p.His740Arg (NM_000028.3, NM_000643.3, NM_000644.3 and 2 more transcripts); c.2171A>G, p.His724Arg (NM_000646.3); c.2018A>G, p.His673Arg (NM_001425327.1); c.2015A>G, p.His672Arg (NM_001425328.1, NM_001425329.1); c.1841A>G, p.His614Arg (NM_001425332.1); short protein forms H724R, H740R, H614R, H672R, H673R.
Identifiers: ClinVar variation 727988 (VCV000727988.15), dbSNP rs562215810, ClinGen allele CA966718.
Genomic context (GRCh38, chr1:99,881,602, plus strand): 5'-TGTATGTGGATCAAGTTGATGAAGACATAGTGGCAGTAACAAGACACTCACCTAGCATCC[A>G]TCAGTCTGTTGTGGCTGTATCTAGAACTGCTTTCAGGAATCCCAAGACTTCATTTTACAG-3'
Protein context (NP_000633.2, residues 730-750): VAVTRHSPSI[His740Arg]QSVVAVSRTA